The following is an entry in ClinVar:

NM_004656.4(BAP1):c.239T>C (p.Met80Thr)

Gene: BAP1 (BRCA1 associated deubiquitinase 1; minus strand). Cytogenetic location: 3p21.1.
Variant type: single nucleotide variant.
Coding change: c.239T>C on transcript NM_004656.4 (MANE Select); coding-DNA position 239, T replaced by C.
Protein change: p.Met80Thr; replaces methionine 80 with threonine.
Molecular consequence: missense variant.
Genome position (GRCh38, 1-based): chr3:52,408,490, A>G on the plus strand (T>C on the coding strand, the complement: BAP1 is on the minus strand). VCF-style: chr3-52408490-A-G. GRCh37 (hg19) VCF-style: chr3-52442506-A-G.
Other names: c.239T>C, p.Met80Thr (NM_001410772.1); short protein forms M80T.
Identifiers: ClinVar variation 3986925 (VCV003986925.1).

ClinVar aggregate classification (germline): Uncertain significance (1 of 4 stars; one submission).

Conditions:
Hereditary cancer-predisposing syndrome. Also called: Tumor predisposition; Hereditary neoplastic syndrome; Neoplastic Syndromes, Hereditary; Hereditary Cancer Syndrome. Identifiers: Orphanet 140162, MedGen C0027672, MeSH D009386, MONDO:0015356.

Submission:

Ambry Genetics
Classification: Uncertain significance for Hereditary cancer-predisposing syndrome. Last evaluated: 2025-04-19. Review status: criteria provided, single submitter. Criteria: Ambry Variant Classification Scheme 2023. Collection method: clinical testing. Allele origin: germline.
Comment: The p.M80T variant (also known as c.239T>C), located in coding exon 4 of the BAP1 gene, results from a T to C substitution at nucleotide position 239. The methionine at codon 80 is replaced by threonine, an amino acid with similar properties. This amino acid position is conserved. In addition, this alteration is predicted to be deleterious by in silico analysis. Based on the available evidence, the clinical significance of this variant remains unclear.